The following is an entry in ClinVar:

ClinVar aggregate classification (germline): Uncertain significance (1 of 4 stars; one submission).

gnomAD v4.1: 1 of 1,614,182 alleles (0.000062%); highest among the groups gnomAD compares: South Asian, 0.0011%; no homozygotes.

Submission:

Labcorp Genetics (formerly Invitae), Labcorp
Classification: Uncertain significance. Last evaluated: 2026-01-27. Review status: criteria provided, single submitter. Criteria: Invitae Variant Classification Sherloc (09022015). Collection method: clinical testing. Allele origin: germline.
Comment: This sequence change replaces histidine, which is basic and polar, with tyrosine, which is neutral and polar, at codon 1001 of the KMT2A protein (p.His1001Tyr). This variant is present in population databases (rs377066546, gnomAD 0.0009%). This variant has not been reported in the literature in individuals affected with KMT2A-related conditions. ClinVar contains an entry for this variant (Variation ID: 3701927). Invitae Evidence Modeling of protein sequence and biophysical properties (such as structural, functional, and spatial information, amino acid conservation, physicochemical variation, residue mobility, and thermodynamic stability) has been performed for this missense variant. However, the output from this modeling did not meet the statistical confidence thresholds required to predict the impact of this variant on KMT2A protein function. In summary, the available evidence is currently insufficient to determine the role of this variant in disease. Therefore, it has been classified as a Variant of Uncertain Significance.

NM_001197104.2(KMT2A):c.3001C>T (p.His1001Tyr)

Gene: KMT2A (lysine methyltransferase 2A; plus strand). Cytogenetic location: 11q23.3.
Variant type: single nucleotide variant.
Coding change: c.3001C>T on transcript NM_001197104.2 (MANE Select); coding-DNA position 3001, C replaced by T.
Protein change: p.His1001Tyr; replaces histidine 1001 with tyrosine.
Molecular consequence: missense variant.
Genome position (GRCh38, 1-based): chr11:118,474,160, C>T. VCF-style: chr11-118474160-C-T. GRCh37 (hg19) VCF-style: chr11-118344875-C-T.
Other names: c.3001C>T, p.His1001Tyr (NM_005933.4); c.3100C>T, p.His1034Tyr (NM_001412597.1); short protein forms H1001Y, H1034Y.
Identifiers: ClinVar variation 3701927 (VCV003701927.2).